The following is an entry in ClinVar:

NM_018075.5(ANO10):c.1747del (p.Val583fs)

Gene: ANO10 (anoctamin 10; minus strand). Cytogenetic location: 3p22.1.
Variant type: Deletion.
Coding change: c.1747del on transcript NM_018075.5 (MANE Select); coding-DNA position 1747, one base deleted (G; older notation c.1747delG).
Protein change: p.Val583fs; shifts the reading frame from valine 583.
Molecular consequence: frameshift variant.
Genome position (GRCh38, 1-based): chr3:43,549,770, C deleted on the plus strand (G on the coding strand, the reverse complement: ANO10 is on the minus strand). VCF-style (leftmost placement, unchanged base first): chr3-43549769-AC-A. GRCh37 (hg19) VCF-style: chr3-43591261-AC-A.
Other names: c.1747del, p.Val583fs (NM_001204831.3, NM_001346465.2, NM_001346468.2); c.1549del, p.Val517fs (NM_001204832.3, NM_001346466.2, NM_001346469.2); c.1414del, p.Val472fs (NM_001204833.3); c.1177del, p.Val393fs (NM_001204834.3); c.1864del, p.Val622fs (NM_001346463.2, NM_001346464.2, NM_001346467.2); short protein forms V393fs, V472fs, V517fs, V583fs, V622fs.
Identifiers: ClinVar variation 5014667 (VCV005014667.1).
Genomic context (GRCh38, chr3:43,549,769, plus strand): 5'-TCTTTACTTACCTCCACTGCTACTACAATCAAAATGAGGTCTGCTTTTGATTCTGGAAAG[AC>A]TGCATTCACTTGTGGTGACATTCCAATCAGCGCACAGTTAGTGACCACAGATATAACACT-3'

ClinVar aggregate classification (germline): Pathogenic (1 of 4 stars; one submission).

Conditions:
Autosomal recessive spinocerebellar ataxia 10. Identifiers: Orphanet 284289, MedGen C3150998, MONDO:0013392, OMIM 613728.

Submission:

Myriad Genetics, Inc.
Classification: Pathogenic for Autosomal recessive spinocerebellar ataxia 10. Last evaluated: 2025-07-01. Review status: criteria provided, single submitter. Criteria: Myriad Autosomal Dominant, Autosomal Recessive and X-Linked Classification Criteria (2023). Collection method: clinical testing. Allele origin: unknown.
Comment: NM_018075.3(ANO10):c.1747delG(V583Sfs*11) is expected to be pathogenic in the context of spinocerebellar ataxia, ANO10-related. This variant is predicted to lead to an abnormal or absent protein product due to the creation of a premature termination codon in ANO10, a gene where loss-of-function variants are known to be pathogenic. Please note: this variant was assessed in the context of healthy population screening.